The following is an entry in ClinVar:

NM_032444.4(SLX4):c.4873C>T (p.His1625Tyr)

Gene: SLX4 (SLX4 structure-specific endonuclease subunit; minus strand). Cytogenetic location: 16p13.3.
Variant type: single nucleotide variant.
Coding change: c.4873C>T on transcript NM_032444.4 (MANE Select); coding-DNA position 4873, C replaced by T.
Protein change: p.His1625Tyr; replaces histidine 1625 with tyrosine.
Molecular consequence: missense variant.
Genome position (GRCh38, 1-based): chr16:3,583,377, G>A on the plus strand (C>T on the coding strand, the complement: SLX4 is on the minus strand). VCF-style: chr16-3583377-G-A. GRCh37 (hg19) VCF-style: chr16-3633378-G-A.
Other names: short protein forms H1625Y.
Identifiers: ClinVar variation 948293 (VCV000948293.7), dbSNP rs145527531, ClinGen allele CA7865482.

ClinVar aggregate classification (germline): Conflicting classifications of pathogenicity. Review status: criteria provided, conflicting classifications (1 of 4 stars). 3 submissions from 3 submitters: Uncertain significance (2); Likely benign (1). Last evaluated 2025-09-01.

Conditions:
Inborn genetic diseases. Identifiers: MedGen C0950123, MeSH D030342.
Fanconi anemia complementation group P. Also called: SLX4-Related Fanconi Anemia. Identifiers: Orphanet 84, MedGen C3469542, MONDO:0013499, OMIM 613951.
Fanconi anemia (FA). Also called: Fanconi's anemia. Identifiers: Orphanet 84, MedGen C0015625, MeSH D005199, MONDO:0019391.

Allele frequency attached by ClinVar (database versions not stated): gnomAD exomes 0.00001 and 0.00010; gnomAD 0.00003; TOPMed 0.00005; ESP Exome Variant Server 0.00008; ExAC 0.00009.
gnomAD v4.1: 26 of 1,613,066 alleles (0.0016%); highest among the groups gnomAD compares: East Asian, 0.051%; no homozygotes.

Submissions (3):

Labcorp Genetics (formerly Invitae), Labcorp
Classification: Uncertain significance for Fanconi anemia. Last evaluated: 2025-09-01. Review status: criteria provided, single submitter. Criteria: Invitae Variant Classification Sherloc (09022015). Collection method: clinical testing. Allele origin: germline.
Comment: This sequence change replaces histidine, which is basic and polar, with tyrosine, which is neutral and polar, at codon 1625 of the SLX4 protein (p.His1625Tyr). This variant is present in population databases (rs145527531, gnomAD 0.1%). This variant has not been reported in the literature in individuals affected with SLX4-related conditions. ClinVar contains an entry for this variant (Variation ID: 948293). An algorithm developed to predict the effect of missense changes on protein structure and function outputs the following: PolyPhen-2: "Benign". The tyrosine amino acid residue is found in multiple mammalian species, which suggests that this missense change does not adversely affect protein function. In summary, the available evidence is currently insufficient to determine the role of this variant in disease. Therefore, it has been classified as a Variant of Uncertain Significance.

Ambry Genetics
Classification: Likely benign for Inborn genetic diseases. Last evaluated: 2024-03-20. Review status: criteria provided, single submitter. Criteria: Ambry Variant Classification Scheme 2023. Collection method: clinical testing. Allele origin: germline.

Fulgent Genetics
Classification: Uncertain significance for Fanconi anemia complementation group P. Last evaluated: 2021-09-24. Review status: criteria provided, single submitter. Criteria: ACMG Guidelines, 2015. Collection method: clinical testing. Allele origin: unknown.